The following is an entry in ClinVar:

ClinVar aggregate classification (germline): Likely benign. Review status: criteria provided, multiple submitters, no conflicts (2 of 4 stars). 4 submissions from 4 submitters: Likely benign (3). 1 of the submissions does not count toward it. Last evaluated 2025-05-18.

Conditions:
PCYT1A-related disorder. Also called: PCYT1A-related condition.

Allele frequency attached by ClinVar (database versions not stated): ExAC 0.00003; gnomAD exomes 0.00006; gnomAD 0.00010 and 0.00011; TOPMed 0.00012.

Submissions (4):

Labcorp Genetics (formerly Invitae), Labcorp
Classification: Likely benign. Last evaluated: 2025-05-18. Review status: criteria provided, single submitter. Criteria: Invitae Variant Classification Sherloc (09022015). Collection method: clinical testing. Allele origin: germline.

Blueprint Genetics
Classification: Likely benign. Last evaluated: 2024-10-15. Review status: criteria provided, single submitter. Criteria: ACMG Guidelines, 2015. Collection method: clinical testing. Allele origin: germline.

CeGaT Center for Human Genetics Tuebingen
Classification: Likely benign. Last evaluated: 2023-08-01. Review status: criteria provided, single submitter. Criteria: CeGaT Center For Human Genetics Tuebingen Variant Classification Criteria Version 2. Collection method: clinical testing. Allele origin: germline. Affected: yes. Observed: 1 variant allele.
Comment: PCYT1A: BP4, BP7

PreventionGenetics, part of Exact Sciences
Classification: Likely benign for PCYT1A-related condition. Last evaluated: 2019-06-27. Review status: no assertion criteria provided. Collection method: clinical testing. Allele origin: germline. Not counted in ClinVar's aggregate classification.
Comment: This variant is classified as likely benign based on ACMG/AMP sequence variant interpretation guidelines (Richards et al. 2015 PMID: 25741868, with internal and published modifications).

NM_001312673.2(PCYT1A):c.66C>T (p.Asn22=)

Gene: PCYT1A (phosphate cytidylyltransferase 1A, choline; minus strand). Cytogenetic location: 3q29.
Variant type: single nucleotide variant.
Coding change: c.66C>T on transcript NM_001312673.2 (MANE Select); coding-DNA position 66, C replaced by T.
Protein change: p.Asn22=; no amino-acid change (asparagine 22 retained).
Molecular consequence: synonymous variant.
Genome position (GRCh38, 1-based): chr3:196,270,466, G>A on the plus strand (C>T on the coding strand, the complement: PCYT1A is on the minus strand). VCF-style: chr3-196270466-G-A. GRCh37 (hg19) VCF-style: chr3-195997337-G-A.
Other names: c.66C>T, p.Asn22= (NM_005017.4).
Identifiers: ClinVar variation 799870 (VCV000799870.34), dbSNP rs201702214, ClinGen allele CA2779658.